The following is an entry in ClinVar:

ClinVar aggregate classification (germline): Uncertain significance. Review status: criteria provided, multiple submitters, no conflicts (2 of 4 stars). 3 submissions from 3 submitters: Uncertain significance (3). Last evaluated 2025-12-30.

Conditions:
LRSAM1-related disorder. Also called: LRSAM1-related condition.
Charcot-Marie-Tooth disease axonal type 2P. Also called: CHARCOT-MARIE-TOOTH NEUROPATHY, TYPE 2P; Charcot-Marie-Tooth Neuropathy Type 2G; CHARCOT-MARIE-TOOTH DISEASE, AXONAL, TYPE 2G; CMT 2G. Identifiers: Orphanet 300319, Orphanet 99941, MedGen C3280797, MONDO:0013753, OMIM 614436.

Allele frequency attached by ClinVar (database versions not stated): TOPMed 0.00002.
gnomAD v4.1: 14 of 1,614,130 alleles (0.00087%); highest among the groups gnomAD compares: South Asian, 0.0022%; no homozygotes.

Submissions (3):

PreventionGenetics, part of Exact Sciences
Classification: Uncertain significance for LRSAM1-related condition. Last evaluated: 2025-12-30. Review status: criteria provided, single submitter. Criteria: ACMG Guidelines, 2015. Collection method: clinical testing. Allele origin: germline.
Comment: The LRSAM1 c.818G>A variant is predicted to result in the amino acid substitution p.Arg273His. To our knowledge, this variant has not been reported in the literature. This variant is reported in 0.0033% of alleles in individuals of South Asian descent in gnomAD. At this time, the clinical significance of this variant is uncertain due to the absence of conclusive functional and genetic evidence.

Labcorp Genetics (formerly Invitae), Labcorp
Classification: Uncertain significance for Charcot-Marie-Tooth disease axonal type 2P. Last evaluated: 2024-07-25. Review status: criteria provided, single submitter. Criteria: Invitae Variant Classification Sherloc (09022015). Collection method: clinical testing. Allele origin: germline.
Comment: This sequence change replaces arginine, which is basic and polar, with histidine, which is basic and polar, at codon 273 of the LRSAM1 protein (p.Arg273His). This variant is present in population databases (rs368088593, gnomAD 0.003%). This variant has not been reported in the literature in individuals affected with LRSAM1-related conditions. ClinVar contains an entry for this variant (Variation ID: 935907). Advanced modeling of protein sequence and biophysical properties (such as structural, functional, and spatial information, amino acid conservation, physicochemical variation, residue mobility, and thermodynamic stability) performed at Invitae indicates that this missense variant is not expected to disrupt LRSAM1 protein function with a negative predictive value of 80%. In summary, the available evidence is currently insufficient to determine the role of this variant in disease. Therefore, it has been classified as a Variant of Uncertain Significance.

CeGaT Center for Human Genetics Tuebingen
Classification: Uncertain significance. Last evaluated: 2022-11-01. Review status: criteria provided, single submitter. Criteria: CeGaT Center For Human Genetics Tuebingen Variant Classification Criteria Version 2. Collection method: clinical testing. Allele origin: germline. Affected: yes. Observed: 1 variant allele.
Comment: LRSAM1: PM2, BP4

NM_001005373.4(LRSAM1):c.818G>A (p.Arg273His)

Gene: LRSAM1 (leucine rich repeat and sterile alpha motif containing 1; plus strand). Cytogenetic location: 9q33.3.
Variant type: single nucleotide variant.
Coding change: c.818G>A on transcript NM_001005373.4 (MANE Select); coding-DNA position 818, G replaced by A.
Protein change: p.Arg273His; replaces arginine 273 with histidine.
Molecular consequence: missense variant. On other transcripts: non-coding transcript variant (2).
Genome position (GRCh38, 1-based): chr9:127,479,420, G>A. VCF-style: chr9-127479420-G-A. GRCh37 (hg19) VCF-style: chr9-130241699-G-A.
Other names: c.818G>A, p.Arg273His (NM_001005374.4, NM_001190723.3, NM_001384142.1 and 2 more transcripts); c.29G>A, p.Arg10His (NM_001384144.1); short protein forms R273H, R10H.
Identifiers: ClinVar variation 935907 (VCV000935907.34), dbSNP rs368088593, ClinGen allele CA5246716.